The following is an entry in ClinVar:

NM_002161.6(IARS1):c.1410G>A (p.Trp470Ter)

Gene: IARS1 (isoleucyl-tRNA synthetase 1; minus strand). Cytogenetic location: 9q22.31.
Variant type: single nucleotide variant.
Coding change: c.1410G>A on transcript NM_002161.6 (MANE Select); coding-DNA position 1410, G replaced by A.
Protein change: p.Trp470Ter; replaces tryptophan 470 with a stop codon.
Molecular consequence: nonsense. On other transcripts: non-coding transcript variant (1).
Genome position (GRCh38, 1-based): chr9:92,268,195, C>T on the plus strand (G>A on the coding strand, the complement: IARS1 is on the minus strand). VCF-style: chr9-92268195-C-T. GRCh37 (hg19) VCF-style: chr9-95030477-C-T.
Other names: c.1410G>A, p.Trp470Ter (NM_001374299.1, NM_001374300.1, NM_001374301.1 and 14 more transcripts); c.1473G>A, p.Trp491Ter (NM_001378569.1); c.1431G>A, p.Trp477Ter (NM_001378571.1); c.1287G>A, p.Trp429Ter (NM_001378583.1); short protein forms W477*, W429*, W491*, W470*.
Identifiers: ClinVar variation 5007473 (VCV005007473.2).

ClinVar aggregate classification (germline): Likely pathogenic (1 of 4 stars; one submission).

Conditions:
Growth retardation, intellectual developmental disorder, hypotonia, and hepatopathy (GRIDHH). Also called: GROWTH RETARDATION, IMPAIRED INTELLECTUAL DEVELOPMENT, HYPOTONIA, AND HEPATOPATHY. Identifiers: Orphanet 541423, MedGen C4310720, MONDO:0014911, OMIM 617093.

gnomAD v4.1: 8 of 1,606,334 alleles (0.0005%); highest among the groups gnomAD compares: East Asian, 0.014%; no homozygotes.

Submission:

Juno Genomics, Hangzhou Juno Genomics, Inc
Classification: Likely pathogenic for Growth retardation, intellectual developmental disorder, hypotonia, and hepatopathy. Review status: criteria provided, single submitter. Criteria: ACMG Guidelines, 2015. Collection method: clinical testing. Allele origin: germline.
Comment: Null variant in a gene where loss of function (LOF) is a known mechanism of disease.;Absent from controls (or at extremely low frequency if recessive) in Genome Aggregation Database.